The following is an entry in ClinVar:

NM_015978.3(TNNI3K):c.2166T>A (p.Cys722Ter)

Genes: FPGT-TNNI3K (FPGT-TNNI3K readthrough; plus strand), LRRC53 (leucine rich repeat containing 53; minus strand), TNNI3K (TNNI3 interacting kinase; plus strand). Cytogenetic location: 1p31.1.
Variant type: single nucleotide variant.
Coding change: c.2166T>A on transcript NM_015978.3 (MANE Select); coding-DNA position 2166, T replaced by A.
Protein change: p.Cys722Ter; replaces cysteine 722 with a stop codon.
Molecular consequence: nonsense. On other transcripts: intron variant (2).
Genome position (GRCh38, 1-based): chr1:74,489,233, T>A. VCF-style: chr1-74489233-T-A. GRCh37 (hg19) VCF-style: chr1-74954917-T-A.
Other names: c.2469T>A, p.Cys823Ter (NM_001112808.3); c.-8-8265A>T (NM_001364666.2); c.-26-5858A>T (NM_001382280.1); short protein forms C722*, C823*.
Identifiers: ClinVar variation 3628627 (VCV003628627.2).
Genomic context (GRCh38, chr1:74,489,233, plus strand): 5'-TTTTTTCTATTTACAGGGAAGACCCGAATTTTCTGAAGTTGTCATGAAGTTAGAAGAGTG[T>A]CTCTGCAACATTGAGGTAAAAGCTTTAGCTTCTGAAATATGTCCATAAAAAAGCCCTGCA-3'

ClinVar aggregate classification (germline): Uncertain significance (1 of 4 stars; one submission).

gnomAD v4.1: 31 of 1,611,946 alleles (0.0019%); highest among the groups gnomAD compares: Non-Finnish European, 0.0025%; no homozygotes.

Submission:

Labcorp Genetics (formerly Invitae), Labcorp
Classification: Uncertain significance. Last evaluated: 2025-12-20. Review status: criteria provided, single submitter. Criteria: Invitae Variant Classification Sherloc (09022015). Collection method: clinical testing. Allele origin: germline.
Comment: This sequence change creates a premature translational stop signal (p.Cys722*) in the TNNI3K gene. It is expected to result in an absent or disrupted protein product. However, the current clinical and genetic evidence is not sufficient to establish whether loss-of-function variants in TNNI3K cause disease. This variant is present in population databases (no rsID available, gnomAD 0.0009%). This variant has not been reported in the literature in individuals affected with TNNI3K-related conditions. ClinVar contains an entry for this variant (Variation ID: 3628627). In summary, the available evidence is currently insufficient to determine the role of this variant in disease. Therefore, it has been classified as a Variant of Uncertain Significance.